The following is an entry in ClinVar:

ClinVar aggregate classification (germline): Uncertain significance. Review status: criteria provided, multiple submitters, no conflicts (2 of 4 stars). 2 submissions from 2 submitters: Uncertain significance (2). Last evaluated 2022-04-19.

Conditions:
Hereditary cancer-predisposing syndrome. Also called: Neoplastic Syndromes, Hereditary; Hereditary Cancer Syndrome; Hereditary neoplastic syndrome; Tumor predisposition. Identifiers: Orphanet 140162, MedGen C0027672, MeSH D009386, MONDO:0015356.
Cardiovascular phenotype. Identifiers: MedGen CN230736.
Neurofibromatosis, type 1 (NF1). Also called: NEUROFIBROMATOSIS, TYPE I, SOMATIC; VON RECKLINGHAUSEN DISEASE; Neurofibromatosis, type I; Peripheral type neurofibromatosis. Identifiers: Orphanet 636, MedGen C0027831, MONDO:0018975, OMIM 162200. Disease mechanism: loss of function.

Submissions (2):

Ambry Genetics
Classification: Uncertain significance for Cardiovascular phenotype; Hereditary cancer-predisposing syndrome. Last evaluated: 2022-04-19. Review status: criteria provided, single submitter. Criteria: Ambry Variant Classification Scheme 2023. Collection method: clinical testing. Allele origin: germline.
Comment: The p.L2304I variant (also known as c.6910C>A), located in coding exon 46 of the NF1 gene, results from a C to A substitution at nucleotide position 6910. The leucine at codon 2304 is replaced by isoleucine, an amino acid with highly similar properties. This amino acid position is conserved. In addition, this alteration is predicted to be tolerated by in silico analysis. Since supporting evidence is limited at this time, the clinical significance of this alteration remains unclear.

Labcorp Genetics (formerly Invitae), Labcorp
Classification: Uncertain significance for Neurofibromatosis, type 1. Last evaluated: 2018-12-22. Review status: criteria provided, single submitter. Criteria: Invitae Variant Classification Sherloc (09022015). Collection method: clinical testing. Allele origin: germline.
Comment: This sequence change replaces leucine with isoleucine at codon 2304 of the NF1 protein (p.Leu2304Ile). The leucine residue is moderately conserved and there is a small physicochemical difference between leucine and isoleucine. This variant is not present in population databases (ExAC no frequency). This variant has not been reported in the literature in individuals with NF1-related conditions. Algorithms developed to predict the effect of missense changes on protein structure and function are either unavailable or do not agree on the potential impact of this missense change (SIFT: "Tolerated"; PolyPhen-2: "Probably Damaging"; Align-GVGD: "Class C0"). In summary, the available evidence is currently insufficient to determine the role of this variant in disease. Therefore, it has been classified as a Variant of Uncertain Significance.

NM_001042492.3(NF1):c.6973C>A (p.Leu2325Ile)

Gene: NF1 (neurofibromin 1; plus strand). Cytogenetic location: 17q11.2.
Variant type: single nucleotide variant.
Coding change: c.6973C>A on transcript NM_001042492.3 (MANE Select); coding-DNA position 6973, C replaced by A.
Protein change: p.Leu2325Ile; replaces leucine 2325 with isoleucine.
Molecular consequence: missense variant.
Genome position (GRCh38, 1-based): chr17:31,340,556, C>A. VCF-style: chr17-31340556-C-A. GRCh37 (hg19) VCF-style: chr17-29667574-C-A.
Other names: c.6910C>A, p.Leu2304Ile (NM_000267.4); short protein forms L2304I, L2325I.
Identifiers: ClinVar variation 646296 (VCV000646296.8), dbSNP rs1597848038, ClinGen allele CA399014948.